The following is an entry in ClinVar:

ClinVar aggregate classification (germline): Uncertain significance. Review status: criteria provided, multiple submitters, no conflicts (2 of 4 stars). 2 submissions from 2 submitters: Uncertain significance (2). Last evaluated 2023-04-27.

Conditions:
DK1-congenital disorder of glycosylation. Also called: CONGENITAL DISORDER OF GLYCOSYLATION, TYPE Im; DOLK-congenital disorder of glycosylation; Carbohydrate deficient glycoprotein syndrome type 1m; CDG Im; DK1 DEFICIENCY; DOLICHOL KINASE DEFICIENCY. Identifiers: Orphanet 91131, MedGen C1835849, MONDO:0012556, OMIM 610768.

Allele frequency attached by ClinVar (database versions not stated): gnomAD exomes below 0.00001.

Submissions (2):

GeneDx
Classification: Uncertain significance. Last evaluated: 2023-04-27. Review status: criteria provided, single submitter. Criteria: GeneDx Variant Classification Process June 2021. Collection method: clinical testing. Allele origin: germline. Affected: yes.
Comment: Not observed at significant frequency in large population cohorts (gnomAD); In silico analysis supports that this missense variant does not alter protein structure/function; Has not been previously published as pathogenic or benign to our knowledge

Labcorp Genetics (formerly Invitae), Labcorp
Classification: Uncertain significance for DK1-congenital disorder of glycosylation. Last evaluated: 2022-07-19. Review status: criteria provided, single submitter. Criteria: Invitae Variant Classification Sherloc (09022015). Collection method: clinical testing. Allele origin: germline.
Comment: This sequence change replaces methionine, which is neutral and non-polar, with valine, which is neutral and non-polar, at codon 461 of the DOLK protein (p.Met461Val). This variant is present in population databases (no rsID available, gnomAD 0.003%). This variant has not been reported in the literature in individuals affected with DOLK-related conditions. ClinVar contains an entry for this variant (Variation ID: 1003678). Algorithms developed to predict the effect of missense changes on protein structure and function output the following: SIFT: "Tolerated"; PolyPhen-2: "Benign"; Align-GVGD: "Class C0". The valine amino acid residue is found in multiple mammalian species, which suggests that this missense change does not adversely affect protein function. In summary, the available evidence is currently insufficient to determine the role of this variant in disease. Therefore, it has been classified as a Variant of Uncertain Significance.

NM_014908.4(DOLK):c.1381A>G (p.Met461Val)

Gene: DOLK (dolichol kinase; minus strand). Cytogenetic location: 9q34.11.
Variant type: single nucleotide variant.
Coding change: c.1381A>G on transcript NM_014908.4 (MANE Select); coding-DNA position 1381, A replaced by G.
Protein change: p.Met461Val; replaces methionine 461 with valine.
Molecular consequence: missense variant.
Genome position (GRCh38, 1-based): chr9:128,945,923, T>C on the plus strand (A>G on the coding strand, the complement: DOLK is on the minus strand). VCF-style: chr9-128945923-T-C. GRCh37 (hg19) VCF-style: chr9-131708202-T-C.
Other names: c.1381A>G (NM_014908.3); short protein forms M461V.
Identifiers: ClinVar variation 1003678 (VCV001003678.7), dbSNP rs1199897936, ClinGen allele CA375117162.